The following is an entry in ClinVar:

ClinVar aggregate classification (germline): Pathogenic (0 of 4 stars; one submission).

Conditions:
Fanconi anemia complementation group A (FANCA). Also called: Fanconi anemia, group A; FANCA-Related Fanconi Anemia. Identifiers: Orphanet 84, MedGen C3469521, MONDO:0009215, OMIM 227650.

Submission:

Leiden Open Variation Database
Classification: Pathogenic for Fanconi anemia complementation group A. Last evaluated: 2020-02-28. Review status: no assertion criteria provided. Collection method: curation. Allele origin: germline. Affected: yes.
Comment: Curator: Arleen D. Auerbach. Submitter to LOVD: Arleen D. Auerbach.

NC_000016.10:g.(?_89737551)_(89765067_89767140)del

Genes: FANCA (FA complementation group A; minus strand), ZNF276 (zinc finger protein 276; plus strand). Cytogenetic location: 16q24.3.
Variant type: Deletion.
Identifiers: ClinVar variation 974246 (VCV000974246.1).